The following is an entry in ClinVar:

ClinVar aggregate classification (germline): Uncertain significance. Review status: criteria provided, multiple submitters, no conflicts (2 of 4 stars). 2 submissions from 2 submitters: Uncertain significance (2). Last evaluated 2020-01-09.

Conditions:
Cardiomyopathy (CMYO). Also called: Cardiomyopathies. Identifiers: Orphanet 167848, MedGen C0878544, MONDO:0004994, HP:0001638. Inheritance: Various modes of inheritance.

Submissions (2):

Color Diagnostics, LLC DBA Color Health
Classification: Uncertain significance for Cardiomyopathy. Last evaluated: 2020-01-09. Review status: criteria provided, single submitter. Criteria: ACMG Guidelines, 2015. Collection method: clinical testing. Allele origin: germline.
Comment: This missense variant replaces glutamine with histidine at codon 914 of the MYH7 protein. Computational prediction is inconclusive regarding the impact of this variant on protein structure and function (internally defined REVEL score threshold 0.5 < inconclusive < 0.7, PMID: 27666373). Splice site prediction tools suggest that this variant may not impact RNA splicing. To our knowledge, functional studies have not been performed for this variant. This variant has not been identified in the general population by the Genome Aggregation Database (gnomAD). The available evidence is insufficient to determine the role of this variant in disease conclusively. Therefore, this variant is classified as a Variant of Uncertain Significance.

Laboratory for Molecular Medicine, Mass General Brigham Personalized Medicine
Classification: Uncertain significance. Last evaluated: 2014-03-07. Review status: criteria provided, single submitter. Criteria: LMM Criteria. Collection method: clinical testing. Allele origin: germline. Observed: 1 variant allele.
Comment: proposed classification - variant undergoing re-assessment, contact laboratory

NM_000257.4(MYH7):c.2742G>T (p.Gln914His)

Gene: MYH7 (myosin heavy chain 7; minus strand). Cytogenetic location: 14q11.2.
Variant type: single nucleotide variant.
Coding change: c.2742G>T on transcript NM_000257.4 (MANE Select); coding-DNA position 2742, G replaced by T.
Protein change: p.Gln914His; replaces glutamine 914 with histidine.
Molecular consequence: missense variant.
Genome position (GRCh38, 1-based): chr14:23,424,087, C>A on the plus strand (G>T on the coding strand, the complement: MYH7 is on the minus strand). VCF-style: chr14-23424087-C-A. GRCh37 (hg19) VCF-style: chr14-23893296-C-A.
Other names: short protein forms Q914H.
Identifiers: ClinVar variation 177924 (VCV000177924.7), dbSNP rs727504404, ClinGen allele CA012994.